The following is an entry in ClinVar:

NM_000090.4(COL3A1):c.2540G>T (p.Gly847Val)

Gene: COL3A1 (collagen type III alpha 1 chain; plus strand). Cytogenetic location: 2q32.2.
Variant type: single nucleotide variant.
Coding change: c.2540G>T on transcript NM_000090.4 (MANE Select); coding-DNA position 2540, G replaced by T.
Protein change: p.Gly847Val; replaces glycine 847 with valine.
Molecular consequence: missense variant.
Genome position (GRCh38, 1-based): chr2:189,003,049, G>T. VCF-style: chr2-189003049-G-T. GRCh37 (hg19) VCF-style: chr2-189867775-G-T.
Other names: short protein forms G847V.
Identifiers: ClinVar variation 925480 (VCV000925480.5), dbSNP rs1336654706, ClinGen allele CA349842886.

ClinVar aggregate classification (germline): Uncertain significance. Review status: criteria provided, multiple submitters, no conflicts (2 of 4 stars). 3 submissions from 3 submitters: Uncertain significance (3). Last evaluated 2025-09-02.

Conditions:
Polymicrogyria with or without vascular-type Ehlers-Danlos syndrome. Identifiers: Orphanet 636941, MedGen C5193040, MONDO:0032688, OMIM 618343.
Ehlers-Danlos syndrome, type 4 (EDSVASC). Also called: Ehlers-Danlos syndrome vascular type; Ehlers Danlos syndrome, ecchymotic type; Ehlers Danlos syndrome, arterial type; Ehlers Danlos syndrome, Sack-Barabas type; Ehlers-Danlos Syndrome Type IV. Identifiers: Orphanet 286, MedGen C0268338, MONDO:0017314, OMIM 130050.
Familial thoracic aortic aneurysm and aortic dissection (TAAD). Also called: Thoracic aortic aneurysms and dissections. Identifiers: Orphanet 91387, MedGen C4707243, MONDO:0019625.

Allele frequency attached by ClinVar (database versions not stated): gnomAD exomes below 0.00001.
gnomAD v4.1: 1 of 1,551,096 alleles (0.000064%); highest among the groups gnomAD compares: Non-Finnish European, 0.000087%; no homozygotes.

Submissions (3):

Women's Health and Genetics/Laboratory Corporation of America, LabCorp
Classification: Uncertain significance. Last evaluated: 2025-09-02. Review status: criteria provided, single submitter. Criteria: LabCorp Variant Classification Summary - May 2015. Collection method: clinical testing. Allele origin: germline.
Comment: Variant summary: COL3A1 c.2540G>T (p.Gly847Val) results in a non-conservative amino acid change in the encoded protein sequence. Algorithms developed to predict the effect of missense changes on protein structure and function all suggest that this variant is likely to be disruptive. The variant was absent in 156394 control chromosomes. The available data on variant occurrences in the general population are insufficient to allow any conclusion about variant significance. To our knowledge, no occurrence of c.2540G>T in individuals affected with COL3A1-related conditions and no experimental evidence demonstrating its impact on protein function have been reported. ClinVar contains an entry for this variant (Variation ID: 925480). Based on the evidence outlined above, the variant was classified as uncertain significance.

Fulgent Genetics
Classification: Uncertain significance for Ehlers-Danlos syndrome, type 4; Polymicrogyria with or without vascular-type Ehlers-Danlos syndrome. Last evaluated: 2021-11-22. Review status: criteria provided, single submitter. Criteria: ACMG Guidelines, 2015. Collection method: clinical testing. Allele origin: unknown.

Color Diagnostics, LLC DBA Color Health
Classification: Uncertain significance for Familial thoracic aortic aneurysm and aortic dissection. Last evaluated: 2019-01-16. Review status: criteria provided, single submitter. Criteria: ACMG Guidelines, 2015. Collection method: clinical testing. Allele origin: germline.
Comment: Variant of Uncertain Significance due to insufficient evidence: This missense variant is located in the triple-helical region of the COL3A1 protein. Computational prediction tools and conservation analyses are inconclusive regarding the impact of this variant on the protein function. Computational splicing tools suggest that this variant may not impact RNA splicing. To our knowledge, functional assays have not been performed for this variant nor has this variant been reported in individuals affected with cardiovascular disorders in the literature. This variant is rare in the general population and has been identified in 0/277264 chromosomes by the Genome Aggregation Database (gnomAD). Available evidence is insufficient to determine the role of this variant in disease conclusively.